The following is an entry in ClinVar:

ClinVar aggregate classification (germline): Uncertain significance (1 of 4 stars; one submission).

Submission:

GeneDx
Classification: Uncertain significance. Last evaluated: 2023-09-19. Review status: criteria provided, single submitter. Criteria: GeneDx Variant Classification Process June 2021. Collection method: clinical testing. Allele origin: germline. Affected: yes.
Comment: Frameshift variant predicted to result in protein truncation, as the last 74 amino acids are replaced with 25 different amino acids in a gene for which loss-of-function is not a known mechanism of disease; Has not been previously published as pathogenic or benign to our knowledge; Not observed at significant frequency in large population cohorts (gnomAD); Variants in candidate genes are classified as variants of uncertain significance in accordance with ACMG guidelines (Richards et al., 2015)

NM_000808.4(GABRA3):c.1255_1256del (p.Gly419fs)

Gene: GABRA3 (gamma-aminobutyric acid type A receptor subunit alpha3; minus strand). Cytogenetic location: Xq28.
Variant type: Deletion.
Coding change: c.1255_1256del on transcript NM_000808.4 (MANE Select); coding-DNA positions 1255 to 1256, 2 bases deleted (GG; older notation c.1255_1256delGG).
Protein change: p.Gly419fs; shifts the reading frame from glycine 419.
Molecular consequence: frameshift variant.
Genome position (GRCh38, 1-based): chrX:152,168,451-152,168,452, CC deleted on the plus strand (GG on the coding strand, the reverse complement: GABRA3 is on the minus strand); deleting any 2 consecutive bases within chrX:152,168,451-152,168,453 gives the same sequence; the c. name uses the placement nearest the transcript's 3' end. VCF-style (leftmost placement, unchanged base first): chrX-152168450-GCC-G. GRCh37 (hg19) VCF-style: chrX-151336922-GCC-G.
Other names: short protein forms G419fs.
Identifiers: ClinVar variation 4532374 (VCV004532374.1).
Genomic context (GRCh38, chrX:152,168,450, plus strand): 5'-CACGTAGGTGGCCTTGGGTGAAGCAATGATTGTTGGGGTTGAGGAGGCACTGGGAGCAGC[GCC>G]CTTGGAGATGGTGGAAAATTCAGTGTCCTTGGCCAGGTTGATGGGATAGGTGGTCCCCAC-3'